The following is an entry in ClinVar:

NM_000719.7(CACNA1C):c.2116G>A (p.Glu706Lys)

Gene: CACNA1C (calcium voltage-gated channel subunit alpha1 C; plus strand). Cytogenetic location: 12p13.33.
Variant type: single nucleotide variant.
Coding change: c.2116G>A on transcript NM_000719.7 (MANE Select); coding-DNA position 2116, G replaced by A.
Protein change: p.Glu706Lys; replaces glutamic acid 706 with lysine.
Molecular consequence: missense variant.
Genome position (GRCh38, 1-based): chr12:2,582,834, G>A. VCF-style: chr12-2582834-G-A. GRCh37 (hg19) VCF-style: chr12-2692000-G-A.
Other names: c.2116G>A, p.Glu706Lys (NM_001129827.2, NM_001129829.2, NM_001129830.3 and 18 more transcripts); c.2107G>A, p.Glu703Lys (NM_001129844.2); short protein forms E706K, E703K.
Identifiers: ClinVar variation 4745776 (VCV004745776.1).
Genomic context (GRCh38, chr12:2,582,834, plus strand): 5'-CTGTTGGTCTAACGCTGTGTCCCTTATTGGTGGGAATGTGTCATTCAGATCCTGACCGGG[G>A]AGGACTGGAATTCGGTGATGTATGATGGGATCATGGCTTATGGCGGCCCCTCTTTTCCAG-3'
Protein context (NP_000710.5, residues 696-716): LLTVFQILTG[Glu706Lys]DWNSVMYDGI

ClinVar aggregate classification (germline): Uncertain significance (1 of 4 stars; one submission).

Conditions:
Long QT syndrome (LQTS). Identifiers: MedGen C0023976, MeSH D008133, MONDO:0002442. Disease mechanism: loss of function. Inheritance: Various modes of inheritance.

Submission:

Labcorp Genetics (formerly Invitae), Labcorp
Classification: Uncertain significance for Long QT syndrome. Last evaluated: 2025-02-05. Review status: criteria provided, single submitter. Criteria: Invitae Variant Classification Sherloc (09022015). Collection method: clinical testing. Allele origin: germline.
Comment: This sequence change replaces glutamic acid, which is acidic and polar, with lysine, which is basic and polar, at codon 706 of the CACNA1C protein (p.Glu706Lys). This variant is not present in population databases (gnomAD no frequency). This variant has not been reported in the literature in individuals affected with CACNA1C-related conditions. Invitae Evidence Modeling of protein sequence and biophysical properties (such as structural, functional, and spatial information, amino acid conservation, physicochemical variation, residue mobility, and thermodynamic stability) indicates that this missense variant is expected to disrupt CACNA1C protein function with a positive predictive value of 95%. In summary, the available evidence is currently insufficient to determine the role of this variant in disease. Therefore, it has been classified as a Variant of Uncertain Significance.